The following is an entry in ClinVar:

ClinVar aggregate classification (germline): Uncertain significance (1 of 4 stars; one submission).

Allele frequency attached by ClinVar (database versions not stated): gnomAD exomes below 0.00001; gnomAD 0.00001.
gnomAD v4.1: 3 of 1,614,046 alleles (0.00019%); highest among the groups gnomAD compares: Admixed American, 0.005%; no homozygotes.

Submission:

Labcorp Genetics (formerly Invitae), Labcorp
Classification: Uncertain significance. Last evaluated: 2022-09-20. Review status: criteria provided, single submitter. Criteria: Invitae Variant Classification Sherloc (09022015). Collection method: clinical testing. Allele origin: germline.
Comment: In summary, the available evidence is currently insufficient to determine the role of this variant in disease. Therefore, it has been classified as a Variant of Uncertain Significance. Advanced modeling of protein sequence and biophysical properties (such as structural, functional, and spatial information, amino acid conservation, physicochemical variation, residue mobility, and thermodynamic stability) performed at Invitae indicates that this missense variant is not expected to disrupt BACH2 protein function. This variant has not been reported in the literature in individuals affected with BACH2-related conditions. This variant is present in population databases (no rsID available, gnomAD 0.006%). This sequence change replaces alanine, which is neutral and non-polar, with valine, which is neutral and non-polar, at codon 741 of the BACH2 protein (p.Ala741Val).

NM_021813.4(BACH2):c.2222C>T (p.Ala741Val)

Gene: BACH2 (BACH transcriptional regulator 2; minus strand). Cytogenetic location: 6q15.
Variant type: single nucleotide variant.
Coding change: c.2222C>T on transcript NM_021813.4 (MANE Select); coding-DNA position 2222, C replaced by T.
Protein change: p.Ala741Val; replaces alanine 741 with valine.
Molecular consequence: missense variant.
Genome position (GRCh38, 1-based): chr6:89,932,712, G>A on the plus strand (C>T on the coding strand, the complement: BACH2 is on the minus strand). VCF-style: chr6-89932712-G-A. GRCh37 (hg19) VCF-style: chr6-90642431-G-A.
Other names: c.2222C>T, p.Ala741Val (NM_001170794.2); short protein forms A741V.
Identifiers: ClinVar variation 1969828 (VCV001969828.5), dbSNP rs1291376392, ClinGen allele CA365027384.
Genomic context (GRCh38, chr6:89,932,712, plus strand): 5'-GCGCATTGGGAGGCCGCAATGTTCTGCTCAGCACCCAAGGGCGCAGGGTTAATACTGGAG[G>A]CCGTGGGCAAGTCCATGGGTCTGAGGACAGGGCAATACCGATGCAGGGCCTGGATCTGCT-3'
Protein context (NP_068585.1, residues 731-751): PVLRPMDLPT[Ala741Val]SSINPAPLGA